The following is an entry in ClinVar:

ClinVar aggregate classification (germline): Uncertain significance. Review status: criteria provided, multiple submitters, no conflicts (2 of 4 stars). 2 submissions from 2 submitters: Uncertain significance (2). Last evaluated 2025-07-15.

Allele frequency attached by ClinVar (database versions not stated): gnomAD exomes below 0.00001.
gnomAD v4.1: 1 of 1,613,244 alleles (0.000062%); highest among the groups gnomAD compares: East Asian, 0.0022%; no homozygotes.

Submissions (2):

Ambry Genetics
Classification: Uncertain significance. Last evaluated: 2025-07-15. Review status: criteria provided, single submitter. Criteria: Ambry Variant Classification Scheme 2023. Collection method: clinical testing. Allele origin: germline.

Labcorp Genetics (formerly Invitae), Labcorp
Classification: Uncertain significance. Last evaluated: 2022-03-14. Review status: criteria provided, single submitter. Criteria: Invitae Variant Classification Sherloc (09022015). Collection method: clinical testing. Allele origin: germline.
Comment: In summary, the available evidence is currently insufficient to determine the role of this variant in disease. Therefore, it has been classified as a Variant of Uncertain Significance. Algorithms developed to predict the effect of missense changes on protein structure and function output the following: SIFT: "Tolerated"; PolyPhen-2: "Benign"; Align-GVGD: "Class C0". The valine amino acid residue is found in multiple mammalian species, which suggests that this missense change does not adversely affect protein function. This variant has not been reported in the literature in individuals affected with IL12RB2-related conditions. This variant is not present in population databases (gnomAD no frequency). This sequence change replaces isoleucine, which is neutral and non-polar, with valine, which is neutral and non-polar, at codon 413 of the IL12RB2 protein (p.Ile413Val).

NM_001374259.2(IL12RB2):c.1237A>G (p.Ile413Val)

Gene: IL12RB2 (interleukin 12 receptor subunit beta 2; plus strand). Cytogenetic location: 1p31.3.
Variant type: single nucleotide variant.
Coding change: c.1237A>G on transcript NM_001374259.2 (MANE Select); coding-DNA position 1237, A replaced by G.
Protein change: p.Ile413Val; replaces isoleucine 413 with valine.
Molecular consequence: missense variant. On other transcripts: non-coding transcript variant (2).
Genome position (GRCh38, 1-based): chr1:67,351,068, A>G. VCF-style: chr1-67351068-A-G. GRCh37 (hg19) VCF-style: chr1-67816751-A-G.
Other names: c.1237A>G, p.Ile413Val (NM_001258214.1, NM_001258215.1, NM_001258216.1 and 2 more transcripts); c.1237A>G (NM_001559.2); short protein forms I413V.
Identifiers: ClinVar variation 2111677 (VCV002111677.5), dbSNP rs2526225168, ClinGen allele CA340736897.